The following is an entry in ClinVar:

NM_000268.4(NF2):c.517-5G>A

Gene: NF2 (NF2, moesin-ezrin-radixin like (MERLIN) tumor suppressor; plus strand). Cytogenetic location: 22q12.2.
Variant type: single nucleotide variant.
Coding change: c.517-5G>A on transcript NM_000268.4 (MANE Select); 5 bases into the intron before coding-DNA position 517, G replaced by A.
Molecular consequence: intron variant.
Genome position (GRCh38, 1-based): chr22:29,655,589, G>A. VCF-style: chr22-29655589-G-A. GRCh37 (hg19) VCF-style: chr22-30051578-G-A.
Other names: c.517-5G>A (NM_016418.5, NM_181832.3, NM_181825.3); c.447+13304G>A (NM_181833.3); c.394-5G>A (NM_181829.3); c.391-5G>A (NM_181828.3); c.268-5G>A (NM_181830.3, NM_181831.3).
Identifiers: ClinVar variation 1433023 (VCV001433023.13), dbSNP rs2146971836, ClinGen allele CA2573157861.

ClinVar aggregate classification (germline): Uncertain significance. Review status: criteria provided, multiple submitters, no conflicts (2 of 4 stars). 3 submissions from 3 submitters: Uncertain significance (3). Last evaluated 2025-08-15.

Conditions:
Hereditary cancer-predisposing syndrome. Also called: Hereditary Cancer Syndrome; Neoplastic Syndromes, Hereditary; Hereditary neoplastic syndrome; Tumor predisposition. Identifiers: Orphanet 140162, MedGen C0027672, MeSH D009386, MONDO:0015356.
Neurofibromatosis, type 2 (SWNV). Also called: BILATERAL ACOUSTIC NEUROFIBROMATOSIS; SCHWANNOMATOSIS, VESTIBULAR; NF2-Related Schwannomatosis. Identifiers: Orphanet 637, MedGen C0027832, MONDO:0007039, OMIM 101000. Disease mechanism: loss of function.

Allele frequency attached by ClinVar (database versions not stated): gnomAD exomes below 0.00001.
gnomAD v4.1: 1 of 1,609,284 alleles (0.000062%); highest among the groups gnomAD compares: Non-Finnish European, 0.000085%; no homozygotes.

Submissions (3):

Ambry Genetics
Classification: Uncertain significance for Hereditary cancer-predisposing syndrome. Last evaluated: 2025-08-15. Review status: criteria provided, single submitter. Criteria: Ambry Variant Classification Scheme 2023. Collection method: clinical testing. Allele origin: germline.
Comment: The c.517-5G>A intronic variant results from a G to A substitution 5 nucleotides upstream from coding exon 6 in the NF2 gene. This nucleotide position is well conserved in available vertebrate species. In silico splice site analysis predicts that this alteration will result in the creation or strengthening of a novel splice acceptor site. RNA studies have demonstrated that this alteration results in a splice defect; the clinical impact of this abnormal splicing is unknown at this time (Ambry internal data). Based on the available evidence, the clinical significance of this variant remains unclear.

Labcorp Genetics (formerly Invitae), Labcorp
Classification: Uncertain significance for Neurofibromatosis, type 2. Last evaluated: 2025-04-07. Review status: criteria provided, single submitter. Criteria: Invitae Variant Classification Sherloc (09022015). Collection method: clinical testing. Allele origin: germline.
Comment: This sequence change falls in intron 5 of the NF2 gene. It does not directly change the encoded amino acid sequence of the NF2 protein. This variant is not present in population databases (gnomAD no frequency). This variant has not been reported in the literature in individuals affected with NF2-related conditions. ClinVar contains an entry for this variant (Variation ID: 1433023). Algorithms developed to predict the effect of sequence changes on RNA splicing suggest that this variant may disrupt the consensus splice site. In summary, the available evidence is currently insufficient to determine the role of this variant in disease. Therefore, it has been classified as a Variant of Uncertain Significance.

GeneDx
Classification: Uncertain significance. Last evaluated: 2024-03-04. Review status: criteria provided, single submitter. Criteria: GeneDx Variant Classification Process June 2021. Collection method: clinical testing. Allele origin: germline. Affected: yes.
Comment: Not observed at significant frequency in large population cohorts (gnomAD); In silico analysis supports a deleterious effect on splicing; Has not been previously published as pathogenic or benign to our knowledge